The following is an entry in ClinVar:

NM_003185.4(TAF4):c.3080C>T (p.Ser1027Leu)

Gene: TAF4 (TATA-box binding protein associated factor 4; minus strand). Cytogenetic location: 20q13.33.
Variant type: single nucleotide variant.
Coding change: c.3080C>T on transcript NM_003185.4 (MANE Select); coding-DNA position 3080, C replaced by T.
Protein change: p.Ser1027Leu; replaces serine 1027 with leucine.
Molecular consequence: missense variant.
Genome position (GRCh38, 1-based): chr20:61,997,560, G>A on the plus strand (C>T on the coding strand, the complement: TAF4 is on the minus strand). VCF-style: chr20-61997560-G-A. GRCh37 (hg19) VCF-style: chr20-60572616-G-A.
Other names: short protein forms S1027L.
Identifiers: ClinVar variation 3905117 (VCV003905117.10).
Genomic context (GRCh38, chr20:61,997,560, plus strand): 5'-GATGTTCCCCATGTTTCCCCCAGGACCTCGATCCCACAACACTGCCGTACCTCTGCTCCT[G>A]AGCCCGGCCCCGGACAGTCCACTTTCCTCTTTTTCCTGGGCCCGATCGCTGCTAGTGCTG-3'
Protein context (NP_003176.2, residues 1017-1037): KRKVDCPGPG[Ser1027Leu]GAEGSGPGSV

ClinVar aggregate classification (germline): Likely benign (1 of 4 stars; one submission).

gnomAD v4.1: 135 of 1,597,652 alleles (0.0084%); highest among the groups gnomAD compares: Non-Finnish European, 0.01%; no homozygotes.

Submission:

CeGaT Center for Human Genetics Tuebingen
Classification: Likely benign. Last evaluated: 2025-05-01. Review status: criteria provided, single submitter. Criteria: CeGaT Center For Human Genetics Tuebingen Variant Classification Criteria Version 2. Collection method: clinical testing. Allele origin: germline. Affected: yes. Observed: 1 variant allele.
Comment: TAF4: BP4